The following is an entry in ClinVar:

ClinVar aggregate classification (germline): Uncertain significance (1 of 4 stars; one submission).

Conditions:
Gorlin syndrome. Also called: Nevoid Basal Cell Carcinoma Syndrome; Basal cell nevus syndrome. Identifiers: Orphanet 377, MedGen C0004779, MONDO:0007187.

Submission:

Labcorp Genetics (formerly Invitae), Labcorp
Classification: Uncertain significance for Gorlin syndrome. Last evaluated: 2024-10-03. Review status: criteria provided, single submitter. Criteria: Invitae Variant Classification Sherloc (09022015). Collection method: clinical testing. Allele origin: germline.
Comment: This sequence change falls in intron 21 of the PTCH2 gene. It does not directly change the encoded amino acid sequence of the PTCH2 protein. It affects a nucleotide within the consensus splice site. This variant is not present in population databases (gnomAD no frequency). This variant has not been reported in the literature in individuals affected with PTCH2-related conditions. Variants that disrupt the consensus splice site are a relatively common cause of aberrant splicing (PMID: 17576681, 9536098). Algorithms developed to predict the effect of sequence changes on RNA splicing suggest that this variant may disrupt the consensus splice site. In summary, the available evidence is currently insufficient to determine the role of this variant in disease. Therefore, it has been classified as a Variant of Uncertain Significance.

Literature cited by the submitters: PubMed 17576681; PubMed 9536098.

NM_003738.5(PTCH2):c.3358-1G>A

Gene: PTCH2 (patched 2; minus strand). Cytogenetic location: 1p34.1.
Variant type: single nucleotide variant.
Coding change: c.3358-1G>A on transcript NM_003738.5 (MANE Select); the canonical splice acceptor site of the intron before coding-DNA position 3358, G replaced by A.
Molecular consequence: splice acceptor variant.
Genome position (GRCh38, 1-based): chr1:44,822,670, C>T on the plus strand (G>A on the coding strand, the complement: PTCH2 is on the minus strand). VCF-style: chr1-44822670-C-T. GRCh37 (hg19) VCF-style: chr1-45288342-C-T.
Other names: c.3358-1G>A (NM_001166292.2).
Identifiers: ClinVar variation 3631905 (VCV003631905.2).